The following is an entry in ClinVar:

ClinVar aggregate classification (germline): Pathogenic (1 of 4 stars; one submission).

Conditions:
Factor V deficiency. Also called: Reduced coagulation factor V activity. Identifiers: Orphanet 326, MedGen C4317320, MONDO:0020586, HP:0003225.

Allele frequency attached by ClinVar (database versions not stated): gnomAD exomes below 0.00001.
gnomAD v4.1: 1 of 1,614,034 alleles (0.000062%); highest among the groups gnomAD compares: South Asian, 0.0011%; no homozygotes.

Submission:

3billion
Classification: Pathogenic for Congenital factor V deficiency. Last evaluated: 2023-02-23. Review status: criteria provided, single submitter. Criteria: ACMG Guidelines, 2015. Collection method: clinical testing. Allele origin: unknown. Affected: yes.
Comment: The variant is not observed in the gnomAD v2.1.1 dataset. This homozygous variant was predicted to result in a loss or disruption of normal protein function through nonsense-mediated decay (NMD) or protein truncation. Multiple pathogenic variants are reported downstream of the variant. Therefore, this variant is classified as Pathogenic according to the recommendation of ACMG/AMP guideline.

NM_000130.5(F5):c.2521C>T (p.Gln841Ter)

Gene: F5 (coagulation factor V; minus strand). Cytogenetic location: 1q24.2.
Variant type: single nucleotide variant.
Coding change: c.2521C>T on transcript NM_000130.5 (MANE Select); coding-DNA position 2521, C replaced by T.
Protein change: p.Gln841Ter; replaces glutamine 841 with a stop codon.
Molecular consequence: nonsense.
Genome position (GRCh38, 1-based): chr1:169,542,569, G>A on the plus strand (C>T on the coding strand, the complement: F5 is on the minus strand). VCF-style: chr1-169542569-G-A. GRCh37 (hg19) VCF-style: chr1-169511807-G-A.
Other names: short protein forms Q841*.
Identifiers: ClinVar variation 2444143 (VCV002444143.1), dbSNP rs2526395906, ClinGen allele CA343120791.